The following is an entry in ClinVar:

NM_002156.5(HSPD1):c.1207G>A (p.Val403Met)

Gene: HSPD1 (heat shock protein family D (Hsp60) member 1; minus strand). Cytogenetic location: 2q33.1.
Variant type: single nucleotide variant.
Coding change: c.1207G>A on transcript NM_002156.5 (MANE Select); coding-DNA position 1207, G replaced by A.
Protein change: p.Val403Met; replaces valine 403 with methionine.
Molecular consequence: missense variant.
Genome position (GRCh38, 1-based): chr2:197,489,010, C>T on the plus strand (G>A on the coding strand, the complement: HSPD1 is on the minus strand). VCF-style: chr2-197489010-C-T. GRCh37 (hg19) VCF-style: chr2-198353734-C-T.
Other names: c.1207G>A, p.Val403Met (NM_199440.2); short protein forms V403M.
Identifiers: ClinVar variation 333307 (VCV000333307.14), dbSNP rs886055386, ClinGen allele CA10611876.

ClinVar aggregate classification (germline): Uncertain significance. Review status: criteria provided, multiple submitters, no conflicts (2 of 4 stars). 3 submissions from 3 submitters: Uncertain significance (3). Last evaluated 2025-01-31.

Conditions:
Inborn genetic diseases. Identifiers: MedGen C0950123, MeSH D030342.
Spastic paraplegia. Identifiers: MedGen C0037772, HP:0001258.
Hereditary spastic paraplegia 13 (SPG13). Also called: SPASTIC PARAPLEGIA 13, AUTOSOMAL DOMINANT; Spastic paraplegia 13. Identifiers: Orphanet 100994, MedGen C1854467, MONDO:0011532, OMIM 605280.

Allele frequency attached by ClinVar (database versions not stated): gnomAD exomes below 0.00001; TOPMed below 0.00001; gnomAD 0.00001.
gnomAD v4.1: 3 of 1,613,848 alleles (0.00019%); highest among the groups gnomAD compares: East Asian, 0.0045%; no homozygotes.

Submissions (3):

Ambry Genetics
Classification: Uncertain significance for Inborn genetic diseases. Last evaluated: 2025-01-31. Review status: criteria provided, single submitter. Criteria: Ambry Variant Classification Scheme 2023. Collection method: clinical testing. Allele origin: germline.

Labcorp Genetics (formerly Invitae), Labcorp
Classification: Uncertain significance for Spastic paraplegia. Last evaluated: 2020-01-13. Review status: criteria provided, single submitter. Criteria: Invitae Variant Classification Sherloc (09022015). Collection method: clinical testing. Allele origin: germline.
Comment: In summary, the available evidence is currently insufficient to determine the role of this variant in disease. Therefore, it has been classified as a Variant of Uncertain Significance. Algorithms developed to predict the effect of missense changes on protein structure and function are either unavailable or do not agree on the potential impact of this missense change (SIFT: "Deleterious"; PolyPhen-2: "Possibly Damaging"; Align-GVGD: "Class C0"). This variant has not been reported in the literature in individuals with HSPD1-related conditions. ClinVar contains an entry for this variant (Variation ID: 333307). This variant is not present in population databases (ExAC no frequency). This sequence change replaces valine with methionine at codon 403 of the HSPD1 protein (p.Val403Met). The valine residue is moderately conserved and there is a small physicochemical difference between valine and methionine.

Illumina Laboratory Services, Illumina
Classification: Uncertain significance for Hereditary spastic paraplegia 13. Last evaluated: 2018-01-13. Review status: criteria provided, single submitter. Criteria: ICSL Variant Classification Criteria 13 December 2019. Collection method: clinical testing. Allele origin: germline.